The following is an entry in ClinVar:

NM_053025.4(MYLK):c.399G>T (p.Gln133His)

Gene: MYLK (myosin light chain kinase; minus strand). Cytogenetic location: 3q21.1.
Variant type: single nucleotide variant.
Coding change: c.399G>T on transcript NM_053025.4 (MANE Select); coding-DNA position 399, G replaced by T.
Protein change: p.Gln133His; replaces glutamine 133 with histidine.
Molecular consequence: missense variant. On other transcripts: 5 prime UTR variant (1).
Genome position (GRCh38, 1-based): chr3:123,739,976, C>A on the plus strand (G>T on the coding strand, the complement: MYLK is on the minus strand). VCF-style: chr3-123739976-C-A. GRCh37 (hg19) VCF-style: chr3-123458823-C-A.
Other names: c.-130G>T (NM_001321309.2); c.399G>T, p.Gln133His (NM_053026.4, NM_053027.4, NM_053028.4); short protein forms Q133H.
Identifiers: ClinVar variation 263911 (VCV000263911.71), dbSNP rs140148380, ClinGen allele CA071055.

ClinVar aggregate classification (germline): Conflicting classifications of pathogenicity. Review status: criteria provided, conflicting classifications (1 of 4 stars). 18 submissions from 18 submitters: Uncertain significance (1); Benign (6); Likely benign (7). 4 of the submissions do not count toward it. Last evaluated 2026-07-01.

Conditions:
MYLK-related disorder. Also called: MYLK-related condition.
Familial thoracic aortic aneurysm and aortic dissection (TAAD). Also called: Thoracic aortic aneurysms and dissections. Identifiers: Orphanet 91387, MedGen C4707243, MONDO:0019625.
Aortic aneurysm, familial thoracic 7 (AAT7). Also called: AORTIC DISSECTION, FAMILIAL, WITH OR WITHOUT AORTIC ANEURYSM. Identifiers: MedGen C3151077, MONDO:0013418, OMIM 613780.
Congenital aneurysm of ascending aorta (AAT1). Also called: Familial thoracic aortic aneurysm; Aortic aneurysm, thoracic; AORTIC ANEURYSM, FAMILIAL THORACIC 1; ANNULOAORTIC ECTASIA. Identifiers: Orphanet 229, MedGen C0345050, MONDO:0024559, OMIM 607086.

Allele frequency attached by ClinVar (database versions not stated): 1000 Genomes Project 0.00060; 1000 Genomes Project 30x 0.00062; ESP Exome Variant Server 0.00138; TOPMed 0.00161; gnomAD 0.00167 and 0.00176; ExAC 0.00173; gnomAD exomes 0.00181 and 0.00198.
gnomAD v4.1: 3,165 of 1,613,998 alleles (0.2%); highest among the groups gnomAD compares: South Asian, 0.34%; 10 homozygotes.

Submissions (18):

CeGaT Center for Human Genetics Tuebingen
Classification: Likely benign. Last evaluated: 2026-07-01. Review status: criteria provided, single submitter. Criteria: CeGaT Center For Human Genetics Tuebingen Variant Classification Criteria Version 2. Collection method: clinical testing. Allele origin: germline. Affected: yes. Observed: 11 variant alleles.
Comment: MYLK: BP4

Labcorp Genetics (formerly Invitae), Labcorp
Classification: Benign for Aortic aneurysm, familial thoracic 7. Last evaluated: 2026-02-03. Review status: criteria provided, single submitter. Criteria: Invitae Variant Classification Sherloc (09022015). Collection method: clinical testing. Allele origin: germline.

ARUP Laboratories, Molecular Genetics and Genomics, ARUP Laboratories
Classification: Benign. Last evaluated: 2025-05-15. Review status: criteria provided, single submitter. Criteria: ARUP Molecular Germline Variant Investigation Process 2024. Collection method: clinical testing. Allele origin: germline.

Mayo Clinic Laboratories, Mayo Clinic
Classification: Benign. Last evaluated: 2025-04-28. Review status: criteria provided, single submitter. Criteria: ACMG Guidelines, 2015. Collection method: clinical testing. Allele origin: germline. Observed: 7 variant alleles.
Comment: BS1, BP4

Blueprint Genetics
Classification: Benign. Last evaluated: 2024-11-25. Review status: criteria provided, single submitter. Criteria: ACMG Guidelines, 2015. Collection method: clinical testing. Allele origin: germline.

Institute for Clinical Genetics, University Hospital TU Dresden, University Hospital TU Dresden
Classification: Benign. Last evaluated: 2021-11-03. Review status: criteria provided, single submitter. Criteria: ACMG Guidelines, 2015. Collection method: clinical testing. Allele origin: germline.

GeneDx
Classification: Likely benign. Last evaluated: 2021-05-07. Review status: criteria provided, single submitter. Criteria: GeneDx Variant Classification Process June 2021. Collection method: clinical testing. Allele origin: germline. Affected: yes.

Women's Health and Genetics/Laboratory Corporation of America, LabCorp
Classification: Likely benign. Last evaluated: 2020-04-27. Review status: criteria provided, single submitter. Criteria: LabCorp Variant Classification Summary - May 2015. Collection method: clinical testing. Allele origin: germline.
Comment: Variant summary: MYLK c.399G>T (p.Gln133His) results in a non-conservative amino acid change in the encoded protein sequence. Four of five in-silico tools predict a benign effect of the variant on protein function. The variant allele was found at a frequency of 0.0018 in 251440 control chromosomes in the gnomAD database, including 3 homozygotes. The observed variant frequency is approximately 725 fold of the estimated maximal expected allele frequency for a pathogenic variant in MYLK causing Aortopathy phenotype (2.5e-06), strongly suggesting that the variant is benign. c.399G>T has been reported in the literature (Milewicz_2017). This report however, does not provide unequivocal conclusions about association of the variant with Aortopathy. To our knowledge, no experimental evidence demonstrating an impact on protein function has been reported. Eight ClinVar submitters (evaluation after 2014) cite the variant as likely benign/benign (n=7) or uncertain significance (n=1). Based on the evidence outlined above, the variant was classified as likely benign.

Ambry Genetics
Classification: Likely benign for Familial thoracic aortic aneurysm and aortic dissection. Last evaluated: 2019-02-16. Review status: criteria provided, single submitter. Criteria: Ambry Variant Classification Scheme 2023. Collection method: clinical testing. Allele origin: germline.

Illumina Laboratory Services, Illumina
Classification: Uncertain significance for Aortic aneurysm, familial thoracic 7. Last evaluated: 2018-01-13. Review status: criteria provided, single submitter. Criteria: ICSL Variant Classification Criteria 13 December 2019. Collection method: clinical testing. Allele origin: germline.

CHEO Genetics Diagnostic Laboratory, Children's Hospital of Eastern Ontario
Classification: Benign for Familial thoracic aortic aneurysm and aortic dissection. Last evaluated: 2017-12-01. Review status: criteria provided, single submitter. Criteria: ACMG Guidelines, 2015. Collection method: clinical testing. Allele origin: germline.

Molecular Diagnostic Laboratory for Inherited Cardiovascular Disease, Montreal Heart Institute
Classification: Likely benign. Last evaluated: 2017-06-13. Review status: criteria provided, single submitter. Criteria: ACMG Guidelines, 2015. Collection method: clinical testing. Allele origin: germline. Affected: yes.

Eurofins Ntd Llc (ga)
Classification: Likely benign. Last evaluated: 2016-11-03. Review status: criteria provided, single submitter. Criteria: EGL Classification Definitions 2015. Collection method: clinical testing. Allele origin: germline. Observed: 1 variant allele, 1 heterozygote.

CSER _CC_NCGL, University of Washington
Classification: Likely benign for Familial thoracic aortic aneurysm. Last evaluated: 2016-10-01. Review status: criteria provided, single submitter. Criteria: Amendola et al. (Genome Res. 2015). Collection method: research. Allele origin: germline. Affected: no. Study: CSER - NEXT Medicine variant annotation.
Comment: No known history of familial thoracic aortic aneurysm. This interpretation considers GERP score and allele frequency data, in addition to published reports of the variant in the literature, available at the time of review.

PreventionGenetics, part of Exact Sciences
Classification: Likely benign for MYLK-related condition. Last evaluated: 2019-05-29. Review status: no assertion criteria provided. Collection method: clinical testing. Allele origin: germline. Not counted in ClinVar's aggregate classification.
Comment: This variant is classified as likely benign based on ACMG/AMP sequence variant interpretation guidelines (Richards et al. 2015 PMID: 25741868, with internal and published modifications).

Clinical Genetics DNA and cytogenetics Diagnostics Lab, Erasmus MC, Erasmus Medical Center
Classification: Likely benign. Review status: no assertion criteria provided. Collection method: clinical testing. Allele origin: germline. Affected: yes. Study: VKGL Data-share Consensus. Not counted in ClinVar's aggregate classification.

Genome Diagnostics Laboratory, Amsterdam University Medical Center
Classification: Likely benign. Review status: no assertion criteria provided. Collection method: clinical testing. Allele origin: germline. Affected: yes. Study: VKGL Data-share Consensus. Not counted in ClinVar's aggregate classification.

Genome Diagnostics Laboratory, University Medical Center Utrecht
Classification: Likely benign. Review status: no assertion criteria provided. Collection method: clinical testing. Allele origin: germline. Affected: yes. Study: VKGL Data-share Consensus. Not counted in ClinVar's aggregate classification.

Literature cited by the submitters: PubMed 27879251 (cited by Women's Health and Genetics/Laboratory Corporation of America, LabCorp).